The following is an entry in ClinVar:

ClinVar aggregate classification (germline): Uncertain significance (1 of 4 stars; one submission).

Conditions:
Atrioventricular septal defect 4 (AVSD4). Identifiers: MedGen C3280781, MONDO:0013747, OMIM 614430.

Submission:

Labcorp Genetics (formerly Invitae), Labcorp
Classification: Uncertain significance for Atrioventricular septal defect 4. Last evaluated: 2019-10-16. Review status: criteria provided, single submitter. Criteria: Invitae Variant Classification Sherloc (09022015). Collection method: clinical testing. Allele origin: germline.
Comment: This variant results in a copy number gain of the genomic region encompassing the full coding sequence of the GATA4 gene. The boundaries of this event are unknown as they extend beyond the assayed region for this gene and therefore may encompass additional genes. As the precise location of this event is unknown, it may be in tandem or it may be located elsewhere in the genome. Isolated whole-gene copy number gains of GATA4 have not been reported in the literature in individuals with GATA4-related conditions. However, larger copy number events that include this gene have been reported (PMID: 19353638, 21933911, 22318994, 24127225, 25205790, 25516202). In summary, the available evidence is currently insufficient to determine the role of this variant in disease. Therefore, it has been classified as a Variant of Uncertain Significance.

Literature cited by the submitters: PubMed 25205790; PubMed 22318994; PubMed 25516202; PubMed 21933911; PubMed 24127225; PubMed 19353638.

NC_000008.11:g.(?_11703278)_(11759996_?)dup

Gene: GATA4 (GATA binding protein 4). Cytogenetic location: 8p23.1.
Variant type: Duplication.
Identifiers: ClinVar variation 833145 (VCV000833145.2).